The following is an entry in ClinVar:

NM_025114.4(CEP290):c.4293G>A (p.Ala1431=)

Gene: CEP290 (centrosomal protein 290; minus strand). Cytogenetic location: 12q21.32.
Variant type: single nucleotide variant.
Coding change: c.4293G>A on transcript NM_025114.4 (MANE Select); coding-DNA position 4293, G replaced by A.
Protein change: p.Ala1431=; no amino-acid change (alanine 1431 retained).
Molecular consequence: synonymous variant.
Genome position (GRCh38, 1-based): chr12:88,086,400, C>T on the plus strand (G>A on the coding strand, the complement: CEP290 is on the minus strand). VCF-style: chr12-88086400-C-T. GRCh37 (hg19) VCF-style: chr12-88480177-C-T.
Identifiers: ClinVar variation 310600 (VCV000310600.18), dbSNP rs377614744, ClinGen allele CA6711985.

ClinVar aggregate classification (germline): Conflicting classifications of pathogenicity. Review status: criteria provided, conflicting classifications (1 of 4 stars). 7 submissions from 3 submitters: Uncertain significance (5); Likely benign (1). 1 of the submissions does not count toward it. Last evaluated 2023-11-09.

Conditions:
CEP290-related disorder. Also called: CEP290-related condition; CEP290-related disorders. Identifiers: MedGen CN239314.
Meckel-Gruber syndrome. Also called: Dysencephalia splachnocystica; DYSENCEPHALIA SPLANCHNOCYSTICA; GRUBER SYNDROME. Identifiers: Orphanet 564, MedGen C0265215, MONDO:0018921.
Nephronophthisis. Also called: Juvenile Nephronophthisis. Identifiers: Orphanet 655, MedGen C0687120, MONDO:0019005, HP:0000090.
Joubert syndrome. Also called: Familial aplasia of the vermis; CEREBELLOPARENCHYMAL DISORDER IV; JOUBERT-BOLTSHAUSER SYNDROME. Identifiers: Orphanet 475, MedGen C5979921, MONDO:0018772.
Meckel syndrome, type 4 (MKS4). Also called: MECKEL-GRUBER SYNDROME, TYPE 4. Identifiers: Orphanet 564, MedGen C1970161, MONDO:0012626, OMIM 611134.
Bardet-Biedl syndrome 14 (BBS14). Identifiers: Orphanet 110, MedGen C2673874, MONDO:0014442, OMIM 615991.
Leber congenital amaurosis 10 (LCA10). Identifiers: Orphanet 65, MedGen C1857821, MONDO:0012723, OMIM 611755.
Senior-Loken syndrome 6 (SLSN6). Identifiers: Orphanet 3156, MedGen C1857779, MONDO:0012433, OMIM 610189.
Joubert syndrome 5 (JBTS5). Identifiers: Orphanet 2318, MedGen C1857780, MONDO:0012432, OMIM 610188.

Allele frequency attached by ClinVar (database versions not stated): ExAC below 0.00001; gnomAD exomes 0.00001 and 0.00003; TOPMed 0.00001; gnomAD 0.00002; ESP Exome Variant Server 0.00008.
gnomAD v4.1: 44 of 1,583,996 alleles (0.0028%); highest among the groups gnomAD compares: Non-Finnish European, 0.0035%; no homozygotes.

Submissions (7):

Labcorp Genetics (formerly Invitae), Labcorp
Classification: Likely benign for Joubert syndrome; Meckel-Gruber syndrome; Nephronophthisis. Last evaluated: 2023-11-09. Review status: criteria provided, single submitter. Criteria: Invitae Variant Classification Sherloc (09022015). Collection method: clinical testing. Allele origin: germline.

Illumina Laboratory Services, Illumina
Classification: Uncertain significance for Senior-Loken syndrome 6. Last evaluated: 2018-01-12. Review status: criteria provided, single submitter. Criteria: ICSL Variant Classification Criteria 13 December 2019. Collection method: clinical testing. Allele origin: germline.

Illumina Laboratory Services, Illumina
Classification: Uncertain significance for Meckel syndrome, type 4. Last evaluated: 2018-01-12. Review status: criteria provided, single submitter. Criteria: ICSL Variant Classification Criteria 13 December 2019. Collection method: clinical testing. Allele origin: germline.

Illumina Laboratory Services, Illumina
Classification: Uncertain significance for Bardet-Biedl syndrome 14. Last evaluated: 2018-01-12. Review status: criteria provided, single submitter. Criteria: ICSL Variant Classification Criteria 13 December 2019. Collection method: clinical testing. Allele origin: germline.

Illumina Laboratory Services, Illumina
Classification: Uncertain significance for Joubert syndrome 5. Last evaluated: 2018-01-12. Review status: criteria provided, single submitter. Criteria: ICSL Variant Classification Criteria 13 December 2019. Collection method: clinical testing. Allele origin: germline.

Illumina Laboratory Services, Illumina
Classification: Uncertain significance for Leber congenital amaurosis 10. Last evaluated: 2018-01-12. Review status: criteria provided, single submitter. Criteria: ICSL Variant Classification Criteria 13 December 2019. Collection method: clinical testing. Allele origin: germline.

PreventionGenetics, part of Exact Sciences
Classification: Likely benign for CEP290-related condition. Last evaluated: 2021-09-07. Review status: no assertion criteria provided. Collection method: clinical testing. Allele origin: germline. Not counted in ClinVar's aggregate classification.
Comment: This variant is classified as likely benign based on ACMG/AMP sequence variant interpretation guidelines (Richards et al. 2015 PMID: 25741868, with internal and published modifications).